The following is an entry in ClinVar:

NM_001130438.3(SPTAN1):c.5460G>A (p.Ala1820=)

Gene: SPTAN1 (spectrin alpha, non-erythrocytic 1; plus strand). Cytogenetic location: 9q34.11.
Variant type: single nucleotide variant.
Coding change: c.5460G>A on transcript NM_001130438.3 (MANE Select); coding-DNA position 5460, G replaced by A.
Protein change: p.Ala1820=; no amino-acid change (alanine 1820 retained).
Molecular consequence: synonymous variant.
Genome position (GRCh38, 1-based): chr9:128,617,742, G>A. VCF-style: chr9-128617742-G-A. GRCh37 (hg19) VCF-style: chr9-131380021-G-A.
Other names: p.A1820A:GCG>GCA; c.5385G>A, p.Ala1795= (NM_001195532.2); c.5460G>A, p.Ala1820= (NM_001363759.2); c.5400G>A, p.Ala1800= (NM_001363765.2); c.5445G>A, p.Ala1815= (NM_003127.4).
Identifiers: ClinVar variation 139299 (VCV000139299.47), dbSNP rs140191388, ClinGen allele CA302996.

ClinVar aggregate classification (germline): Benign/Likely benign. Review status: criteria provided, multiple submitters, no conflicts (2 of 4 stars). 10 submissions from 10 submitters: Benign (5); Likely benign (5). Last evaluated 2026-02-03.

Conditions:
SPTAN1-related disorder. Also called: SPTAN1-related condition; SPTAN1-related disorders.
Early-infantile DEE. Also called: Early infantile epileptic encephalopathy; Early infantile epileptic encephalopathy with suppression bursts; Ohtahara syndrome. Identifiers: Orphanet 1934, MedGen C0393706, MONDO:0800491.
Inborn genetic diseases. Identifiers: MedGen C0950123, MeSH D030342.
Developmental and epileptic encephalopathy, 5 (DEE5). Identifiers: Orphanet 3451, MedGen C3150731, MONDO:0013277, OMIM 613477.

Allele frequency attached by ClinVar (database versions not stated): gnomAD exomes 0.00039; ExAC 0.00055; 1000 Genomes Project 0.00080; 1000 Genomes Project 30x 0.00094; gnomAD 0.00148 and 0.00161; ESP Exome Variant Server 0.00161; TOPMed 0.00165.
gnomAD v4.1: 611 of 1,614,068 alleles (0.038%); highest among the groups gnomAD compares: African/African-American, 0.46%; 3 homozygotes.

Submissions (10):

Labcorp Genetics (formerly Invitae), Labcorp
Classification: Benign for Early-infantile DEE. Last evaluated: 2026-02-03. Review status: criteria provided, single submitter. Criteria: Invitae Variant Classification Sherloc (09022015). Collection method: clinical testing. Allele origin: germline.

CeGaT Center for Human Genetics Tuebingen
Classification: Likely benign. Last evaluated: 2026-01-01. Review status: criteria provided, single submitter. Criteria: CeGaT Center For Human Genetics Tuebingen Variant Classification Criteria Version 2. Collection method: clinical testing. Allele origin: germline. Affected: yes. Observed: 3 variant alleles.
Comment: SPTAN1: BP4, BP7, BS1

PreventionGenetics, part of Exact Sciences
Classification: Benign for SPTAN1-related condition. Last evaluated: 2024-12-30. Review status: criteria provided, single submitter. Criteria: ACMG Guidelines, 2015. Collection method: clinical testing. Allele origin: germline.
Comment: This variant is classified as benign based on ACMG/AMP sequence variant interpretation guidelines (Richards et al. 2015 PMID: 25741868, with internal and published modifications).

Blueprint Genetics
Classification: Likely benign. Last evaluated: 2024-10-07. Review status: criteria provided, single submitter. Criteria: ACMG Guidelines, 2015. Collection method: clinical testing. Allele origin: germline.

Genome-Nilou Lab
Classification: Benign for Developmental and epileptic encephalopathy, 5. Last evaluated: 2021-07-15. Review status: criteria provided, single submitter. Criteria: ACMG Guidelines, 2015. Collection method: clinical testing. Allele origin: germline. Affected: no.

Athena Diagnostics
Classification: Benign. Last evaluated: 2018-11-21. Review status: criteria provided, single submitter. Criteria: Athena Diagnostics Criteria. Collection method: clinical testing. Allele origin: germline.

Ambry Genetics
Classification: Likely benign for Inborn genetic diseases. Last evaluated: 2017-06-30. Review status: criteria provided, single submitter. Criteria: Ambry Variant Classification Scheme 2023. Collection method: clinical testing. Allele origin: germline.

Eurofins Ntd Llc (ga)
Classification: Likely benign. Last evaluated: 2015-03-13. Review status: criteria provided, single submitter. Criteria: EGL Classification Definitions 2015. Collection method: clinical testing. Allele origin: germline. Observed: 1 variant allele, 1 heterozygote.

GeneDx
Classification: Benign. Last evaluated: 2013-10-04. Review status: criteria provided, single submitter. Criteria: GeneDx Variant Classification (06012015). Collection method: clinical testing. Allele origin: germline. Affected: yes.
Comment: This variant is considered likely benign or benign based on one or more of the following criteria: it is a conservative change, it occurs at a poorly conserved position in the protein, it is predicted to be benign by multiple in silico algorithms, and/or has population frequency not consistent with disease.

Breakthrough Genomics
Classification: Likely benign. Review status: criteria provided, single submitter. Criteria: ACMG Guidelines, 2015. Collection method: not provided. Allele origin: germline. Inheritance: Autosomal dominant inheritance. Affected: yes.